The following is an entry in ClinVar:

NM_004656.4(BAP1):c.1891G>C (p.Glu631Gln)

Gene: BAP1 (BRCA1 associated deubiquitinase 1; minus strand). Cytogenetic location: 3p21.1.
Variant type: single nucleotide variant.
Coding change: c.1891G>C on transcript NM_004656.4 (MANE Select); coding-DNA position 1891, G replaced by C.
Protein change: p.Glu631Gln; replaces glutamic acid 631 with glutamine.
Molecular consequence: missense variant.
Genome position (GRCh38, 1-based): chr3:52,402,871, C>G on the plus strand (G>C on the coding strand, the complement: BAP1 is on the minus strand). VCF-style: chr3-52402871-C-G. GRCh37 (hg19) VCF-style: chr3-52436887-C-G.
Other names: c.1837G>C, p.Glu613Gln (NM_001410772.1); short protein forms E631Q, E613Q.
Identifiers: ClinVar variation 2132951 (VCV002132951.4), dbSNP rs2153226341, ClinGen allele CA353097001.

ClinVar aggregate classification (germline): Uncertain significance (1 of 4 stars; one submission).

Conditions:
BAP1-related tumor predisposition syndrome (TPDS1). Also called: Tumor susceptibility linked to germline BAP1 mutations; COMMON Syndrome; TUMOR PREDISPOSITION SYNDROME 1; BAP1 tumor predisposition syndrome. Identifiers: Orphanet 289539, MedGen C3280492, MONDO:0013692, OMIM 614327.

Submission:

Labcorp Genetics (formerly Invitae), Labcorp
Classification: Uncertain significance for BAP1-related tumor predisposition syndrome. Last evaluated: 2022-05-02. Review status: criteria provided, single submitter. Criteria: Invitae Variant Classification Sherloc (09022015). Collection method: clinical testing. Allele origin: germline.
Comment: In summary, the available evidence is currently insufficient to determine the role of this variant in disease. Therefore, it has been classified as a Variant of Uncertain Significance. Algorithms developed to predict the effect of sequence changes on RNA splicing suggest that this variant may create or strengthen a splice site. Algorithms developed to predict the effect of missense changes on protein structure and function are either unavailable or do not agree on the potential impact of this missense change (SIFT: "Deleterious"; PolyPhen-2: "Possibly Damaging"; Align-GVGD: "Class C0"). This variant has not been reported in the literature in individuals affected with BAP1-related conditions. This variant is not present in population databases (gnomAD no frequency). This sequence change replaces glutamic acid, which is acidic and polar, with glutamine, which is neutral and polar, at codon 631 of the BAP1 protein (p.Glu631Gln).